The following is an entry in ClinVar:

ClinVar aggregate classification (germline): Likely benign. Review status: criteria provided, multiple submitters, no conflicts (2 of 4 stars). 5 submissions from 5 submitters: Likely benign (5). Last evaluated 2026-08-01.

Conditions:
Inborn genetic diseases. Identifiers: MedGen C0950123, MeSH D030342.

Allele frequency attached by ClinVar (database versions not stated): gnomAD exomes 0.00003; gnomAD 0.00004; ExAC 0.00007; TOPMed 0.00007.

Submissions (5):

CeGaT Center for Human Genetics Tuebingen
Classification: Likely benign. Last evaluated: 2026-08-01. Review status: criteria provided, single submitter. Criteria: CeGaT Center For Human Genetics Tuebingen Variant Classification Criteria Version 2. Collection method: clinical testing. Allele origin: germline. Affected: yes. Observed: 3 variant alleles.
Comment: CC2D1A: BP4, BP7

Labcorp Genetics (formerly Invitae), Labcorp
Classification: Likely benign. Last evaluated: 2024-02-29. Review status: criteria provided, single submitter. Criteria: Invitae Variant Classification Sherloc (09022015). Collection method: clinical testing. Allele origin: germline.

Blueprint Genetics
Classification: Likely benign. Last evaluated: 2021-05-28. Review status: criteria provided, single submitter. Criteria: ACMG Guidelines, 2015. Collection method: clinical testing. Allele origin: germline.

Ambry Genetics
Classification: Likely benign for Inborn genetic diseases. Last evaluated: 2018-07-27. Review status: criteria provided, single submitter. Criteria: Ambry Variant Classification Scheme 2023. Collection method: clinical testing. Allele origin: germline.

Genetic Services Laboratory, University of Chicago
Classification: Likely benign. Last evaluated: 2017-09-12. Review status: criteria provided, single submitter. Criteria: ACMG Guidelines, 2015. Collection method: clinical testing. Allele origin: germline. Affected: no.

NM_017721.5(CC2D1A):c.2115A>C (p.Thr705=)

Gene: CC2D1A (coiled-coil and C2 domain containing 1A; plus strand). Cytogenetic location: 19p13.12.
Variant type: single nucleotide variant.
Coding change: c.2115A>C on transcript NM_017721.5 (MANE Select); coding-DNA position 2115, A replaced by C.
Protein change: p.Thr705=; no amino-acid change (threonine 705 retained).
Molecular consequence: synonymous variant.
Genome position (GRCh38, 1-based): chr19:13,926,862, A>C. VCF-style: chr19-13926862-A-C. GRCh37 (hg19) VCF-style: chr19-14037675-A-C.
Identifiers: ClinVar variation 1336222 (VCV001336222.35), dbSNP rs772349420, ClinGen allele CA9244936.